The following is an entry in ClinVar:

NM_007294.4(BRCA1):c.233G>C (p.Arg78Thr)

Gene: BRCA1 (BRCA1 DNA repair associated; minus strand). Cytogenetic location: 17q21.31.
Variant type: single nucleotide variant.
Coding change: c.233G>C on transcript NM_007294.4 (MANE Select); coding-DNA position 233, G replaced by C.
Protein change: p.Arg78Thr; replaces arginine 78 with threonine.
Molecular consequence: missense variant. On other transcripts: non-coding transcript variant (1).
Genome position (GRCh38, 1-based): chr17:43,104,936, C>G on the plus strand (G>C on the coding strand, the complement: BRCA1 is on the minus strand). VCF-style: chr17-43104936-C-G. GRCh37 (hg19) VCF-style: chr17-41256953-C-G.
Other names: c.23G>C, p.Arg8Thr (NM_001407571.1, NM_001407853.1, NM_001407879.1 and 58 more transcripts); c.233G>C, p.Arg78Thr (NM_001407581.1, NM_001407582.1, NM_001407583.1 and 168 more transcripts); c.155G>C, p.Arg52Thr (NM_001407653.1, NM_001407654.1, NM_001407655.1 and 21 more transcripts); c.92G>C, p.Arg31Thr (NM_001407692.1, NM_001407694.1, NM_001407695.1 and 99 more transcripts); c.-149G>C (NM_001407959.1, NM_001407960.1, NM_001407962.1 and 4 more transcripts); c.101G>C, p.Arg34Thr (NM_001408451.1); short protein forms R78T, R31T, R8T, R34T, R52T.
Identifiers: ClinVar variation 865586 (VCV000865586.3), dbSNP rs2054692582, ClinGen allele CA10601695.

Conditions:
Breast-ovarian cancer, familial, susceptibility to, 1 (BROVCA1). Also called: BRCA1 Hereditary Breast and Ovarian Cancer; OVARIAN CANCER, SUSCEPTIBILITY TO. Identifiers: Orphanet 145, MedGen C2676676, MONDO:0011450, OMIM 604370. Disease mechanism: loss of function.

Submission:

Brotman Baty Institute, University of Washington
No classification provided (evidence only). Condition: Breast-ovarian cancer, familial 1. Review status: no classification provided. Collection method: in vitro. Allele origin: not applicable. Functional consequence: functionally_normal.
ClinVar note: "not provided" was previously submitted as the classification for the variant. However, the classification appeared to be based only on an observation of functional data so it was converted to no classification on 2025-07-30.